The following is an entry in ClinVar:

ClinVar aggregate classification (germline): Benign/Likely benign. Review status: criteria provided, multiple submitters, no conflicts (2 of 4 stars). 10 submissions from 10 submitters: Benign (1); Likely benign (9). Last evaluated 2026-01-14.

Conditions:
Familial thoracic aortic aneurysm and aortic dissection (TAAD). Also called: Thoracic aortic aneurysms and dissections. Identifiers: Orphanet 91387, MedGen C4707243, MONDO:0019625.
Aortic aneurysm, familial thoracic 6 (AAT6). Also called: FAMILIAL THORACIC AORTIC ANEURYSM WITH LIVEDO RETICULARIS AND IRIS FLOCCULI. Identifiers: MedGen C2673186, MONDO:0012730, OMIM 611788.
Connective tissue disorder. Also called: Connective tissue disease. Identifiers: MedGen C0009782, MONDO:0003900.
Multisystemic smooth muscle dysfunction syndrome (SMDYS). Also called: MYDRIASIS, CONGENITAL, WITH PATENT DUCTUS ARTERIOSUS, THORACIC AORTIC ANEURYSM, AND VASCULOPATHY; SMOOTH MUSCLE DYSFUNCTION SYNDROME. Identifiers: Orphanet 404463, MedGen C3151201, MONDO:0013452, OMIM 613834.

Allele frequency attached by ClinVar (database versions not stated): ExAC 0.00003; gnomAD 0.00003; gnomAD exomes 0.00003 and 0.00007; TOPMed 0.00003; ESP Exome Variant Server 0.00015.
gnomAD v4.1: 98 of 1,612,800 alleles (0.0061%); highest among the groups gnomAD compares: Non-Finnish European, 0.0081%; no homozygotes.

Submissions (10):

Labcorp Genetics (formerly Invitae), Labcorp
Classification: Likely benign for Aortic aneurysm, familial thoracic 6. Last evaluated: 2026-01-14. Review status: criteria provided, single submitter. Criteria: Invitae Variant Classification Sherloc (09022015). Collection method: clinical testing. Allele origin: germline.

Ambry Genetics
Classification: Likely benign for Familial thoracic aortic aneurysm and aortic dissection. Last evaluated: 2023-12-25. Review status: criteria provided, single submitter. Criteria: Ambry Variant Classification Scheme 2023. Collection method: clinical testing. Allele origin: germline.

Blueprint Genetics
Classification: Likely benign. Last evaluated: 2023-12-18. Review status: criteria provided, single submitter. Criteria: ACMG Guidelines, 2015. Collection method: clinical testing. Allele origin: germline.

All of Us Research Program, National Institutes of Health
Classification: Likely benign for Familial thoracic aortic aneurysm and aortic dissection. Last evaluated: 2023-12-07. Review status: criteria provided, single submitter. Criteria: ACMG Guidelines, 2015. Collection method: clinical testing. Allele origin: germline. Inheritance: Autosomal dominant inheritance. Observed: 9 variant alleles, 9 heterozygotes.
Comment: This study involves interpretation of variants in research participants for the purpose of population health screening. Participant phenotype was not available at the time of variant classification. Additional details can be found in publication PMID: 35346344, PMCID: PMC8962531

CeGaT Center for Human Genetics Tuebingen
Classification: Likely benign. Last evaluated: 2021-03-01. Review status: criteria provided, single submitter. Criteria: CeGaT Center For Human Genetics Tuebingen Variant Classification Criteria Version 2. Collection method: clinical testing. Allele origin: germline. Affected: yes. Observed: 1 variant allele.

Center for Human Genetics, Inc
Classification: Likely benign for Connective tissue disorder. Last evaluated: 2018-06-01. Review status: criteria provided, single submitter. Criteria: ACMG Guidelines, 2015. Collection method: clinical testing. Allele origin: germline. Affected: yes.

Color Diagnostics, LLC DBA Color Health
Classification: Likely benign for Familial thoracic aortic aneurysm and aortic dissection. Last evaluated: 2018-04-20. Review status: criteria provided, single submitter. Criteria: ACMG Guidelines, 2015. Collection method: clinical testing. Allele origin: germline.

Illumina Laboratory Services, Illumina
Classification: Likely benign for Multisystemic smooth muscle dysfunction syndrome. Last evaluated: 2018-01-13. Review status: criteria provided, single submitter. Criteria: ICSL Variant Classification Criteria 13 December 2019. Collection method: clinical testing. Allele origin: germline.
Comment: This variant was observed in the ICSL laboratory as part of a predisposition screen in an ostensibly healthy population. It had not been previously curated by ICSL or reported in the Human Gene Mutation Database (HGMD: prior to June 1st, 2018), and was therefore a candidate for classification through an automated scoring system. Utilizing variant allele frequency, disease prevalence and penetrance estimates, and inheritance mode, an automated score was calculated to assess if this variant is too frequent to cause the disease. Based on the score and internal cut-off values, a variant classified as likely benign is not then subjected to further curation. The score for this variant resulted in a classification of likely benign for this disease.

Women's Health and Genetics/Laboratory Corporation of America, LabCorp
Classification: Likely benign. Last evaluated: 2016-06-13. Review status: criteria provided, single submitter. Criteria: LabCorp Variant Classification Summary - May 2015. Collection method: clinical testing. Allele origin: germline.
Comment: Variant summary: The ACTA2 c.390T>C (p.Asn130Asn) variant involves the alteration of a non-conserved nucleotide, resulting in a synonymous change. One in silico tool predicts a damaging outcome for this variant, and 5/5 splicing algorithms predict no significant change to normal splicing. This variant was found in 3/99802 control chromosomes, predominantly observed in the European (Non-Finnish) subpopulation at a frequency of 0.0000549 (3/54630). This frequency is about 3 times the estimated maximal expected allele frequency of a pathogenic ACTA2 variant (0.0000175), suggesting this is likely a benign polymorphism found primarily in the populations of European (Non-Finnish) origin. The variant of interest has not, to our knowledge, been reported in affected individuals via publications and/or reputable databases/clinical diagnostic laboratories; nor evaluated for functional impact by in vivo/vitro studies. Taken together, this variant is classified as Likely Benign until additional information is available.

GeneDx
Classification: Benign. Last evaluated: 2015-06-26. Review status: criteria provided, single submitter. Criteria: GeneDx Variant Classification (06012015). Collection method: clinical testing. Allele origin: germline. Affected: yes.
Comment: This variant is considered likely benign or benign based on one or more of the following criteria: it is a conservative change, it occurs at a poorly conserved position in the protein, it is predicted to be benign by multiple in silico algorithms, and/or has population frequency not consistent with disease.

NM_001613.4(ACTA2):c.390T>C (p.Asn130=)

Gene: ACTA2 (actin alpha 2, smooth muscle; minus strand). Cytogenetic location: 10q23.31.
Variant type: single nucleotide variant.
Coding change: c.390T>C on transcript NM_001613.4 (MANE Select); coding-DNA position 390, T replaced by C.
Protein change: p.Asn130=; no amino-acid change (asparagine 130 retained).
Molecular consequence: synonymous variant.
Genome position (GRCh38, 1-based): chr10:88,941,849, A>G on the plus strand (T>C on the coding strand, the complement: ACTA2 is on the minus strand). VCF-style: chr10-88941849-A-G. GRCh37 (hg19) VCF-style: chr10-90701606-A-G.
Other names: c.390T>C, p.Asn130= (NM_001141945.3, NM_001320855.2, NM_001406462.1 and 3 more transcripts); c.279T>C, p.Asn93= (NM_001406466.1); c.261T>C, p.Asn87= (NM_001406467.1, NM_001406468.1, NM_001406469.1).
Identifiers: ClinVar variation 301509 (VCV000301509.54), dbSNP rs141933412, ClinGen allele CA028125.
Genomic context (GRCh38, chr10:88,941,849, plus strand): 5'-TGTGCGTCCAGAGGCATAGAGAGACAGCACCGCCTGGATAGCCACATACATGGCTGGGAC[A>G]TTGAAAGTCTCAAACATAATCTGCAAAGCAATCCAAAGAGCTGAGTTAGTGAAGGTGCCC-3'
Protein context (NP_001604.1, residues 120-140): KMTQIMFETF[Asn130=]VPAMYVAIQA